The following is an entry in ClinVar:

NM_005236.3(ERCC4):c.800G>A (p.Arg267His)

Gene: ERCC4 (ERCC excision repair 4, endonuclease catalytic subunit; plus strand). Cytogenetic location: 16p13.12.
Variant type: single nucleotide variant.
Coding change: c.800G>A on transcript NM_005236.3 (MANE Select); coding-DNA position 800, G replaced by A.
Protein change: p.Arg267His; replaces arginine 267 with histidine.
Molecular consequence: missense variant.
Genome position (GRCh38, 1-based): chr16:13,930,717, G>A. VCF-style: chr16-13930717-G-A. GRCh37 (hg19) VCF-style: chr16-14024574-G-A.
Other names: short protein forms R267H.
Identifiers: ClinVar variation 929557 (VCV000929557.6), dbSNP rs143479220, ClinGen allele CA7910288.
Genomic context (GRCh38, chr16:13,930,717, plus strand): 5'-GAATAACTATACTTAACATATTTTAGCAATACCAAATTTTATTCTTGTTTTAGACAATCC[G>A]CCATTATCTGGATCCTTTGTGGCACCAGCTTGGAGCCAAGACTAAATCCTTAGTTCAGGA-3'
Protein context (NP_005227.1, residues 257-277): AIGKPFDKTI[Arg267His]HYLDPLWHQL

ClinVar aggregate classification (germline): Uncertain significance. Review status: criteria provided, single submitter (1 of 4 stars). 2 submissions from 2 submitters: Uncertain significance (1). 1 of the submissions does not count toward it. Last evaluated 2024-07-01.

Conditions:
Fanconi anemia complementation group Q. Identifiers: Orphanet 84, MedGen C3808988, MONDO:0014108, OMIM 615272.
Xeroderma pigmentosum, group F (XPF). Also called: XERODERMA PIGMENTOSUM VI; XP, GROUP F; XERODERMA PIGMENTOSUM, COMPLEMENTATION GROUP F; XERODERMA PIGMENTOSUM, TYPE F; Xeroderma pigmentosum, type 6; ERCC4-Related Xeroderma Pigmentosum. Identifiers: MedGen C0268140, MONDO:0010215, OMIM 278760.
Cockayne syndrome. Identifiers: Orphanet 191, MedGen C0009207, MONDO:0016006.

Allele frequency attached by ClinVar (database versions not stated): TOPMed 0.00002.
gnomAD v4.1: 27 of 1,612,546 alleles (0.0017%); highest among the groups gnomAD compares: African/African-American, 0.004%; no homozygotes.

Submissions (2):

Labcorp Genetics (formerly Invitae), Labcorp
Classification: Uncertain significance for Fanconi anemia complementation group Q; Xeroderma pigmentosum, group F; Cockayne syndrome. Last evaluated: 2024-07-01. Review status: criteria provided, single submitter. Criteria: Invitae Variant Classification Sherloc (09022015). Collection method: clinical testing. Allele origin: germline.
Comment: This sequence change replaces arginine, which is basic and polar, with histidine, which is basic and polar, at codon 267 of the ERCC4 protein (p.Arg267His). This variant is present in population databases (rs143479220, gnomAD 0.007%). This missense change has been observed in individual(s) with breast and/or ovarian cancer (PMID: 24027083). ClinVar contains an entry for this variant (Variation ID: 929557). Advanced modeling of protein sequence and biophysical properties (such as structural, functional, and spatial information, amino acid conservation, physicochemical variation, residue mobility, and thermodynamic stability) performed at Invitae indicates that this missense variant is expected to disrupt ERCC4 protein function with a positive predictive value of 80%. In summary, the available evidence is currently insufficient to determine the role of this variant in disease. Therefore, it has been classified as a Variant of Uncertain Significance.

Leiden Open Variation Database
Classification: Uncertain significance. Last evaluated: 2014-10-06. Review status: no assertion criteria provided. Collection method: curation. Allele origin: germline. Affected: yes. Not counted in ClinVar's aggregate classification.
Comment: Curator: Arleen D. Auerbach. Submitter to LOVD: Ana Osorio.

Literature cited by the submitters: PubMed 24027083 (cited by Labcorp Genetics (formerly Invitae), Labcorp and Leiden Open Variation Database).